The following is an entry in ClinVar:

NM_001161352.2(KCNMA1):c.2994C>G (p.Asn998Lys)

Genes: KCNMA1-AS1 (KCNMA1 antisense RNA 1; plus strand), KCNMA1 (potassium calcium-activated channel subfamily M alpha 1; minus strand). Cytogenetic location: 10q22.3.
Variant type: single nucleotide variant.
Coding change: c.2994C>G on transcript NM_001161352.2 (MANE Select); coding-DNA position 2994, C replaced by G.
Protein change: p.Asn998Lys; replaces asparagine 998 with lysine.
Molecular consequence: missense variant.
Genome position (GRCh38, 1-based): chr10:76,914,958, G>C on the plus strand (C>G on the coding strand, the complement: KCNMA1 is on the minus strand). VCF-style: chr10-76914958-G-C. GRCh37 (hg19) VCF-style: chr10-78674716-G-C.
Other names: c.2829C>G, p.Asn943Lys (NM_001322829.2, NM_001322836.2, NM_001271519.2); c.2841C>G, p.Asn947Lys (NM_001322830.2); c.2820C>G, p.Asn940Lys (NM_001322832.2, NM_001410940.1, NM_002247.4); c.2832C>G, p.Asn944Lys (NM_001322835.2, NM_001322837.2, NM_001014797.3); c.2367C>G, p.Asn789Lys (NM_001322838.2); c.2952C>G, p.Asn984Lys (NM_001437422.1); c.2907C>G, p.Asn969Lys (NM_001437423.1); c.2943C>G, p.Asn981Lys (NM_001161353.2); and 1 more; short protein forms N789K, N890K, N940K, N943K, N944K, N947K, N969K, N981K.
Identifiers: ClinVar variation 4529626 (VCV004529626.1).

ClinVar aggregate classification (germline): Uncertain significance (1 of 4 stars; one submission).

gnomAD v4.1: 1 of 1,612,712 alleles (0.000062%); highest among the groups gnomAD compares: Non-Finnish European, 0.000085%; no homozygotes.

Submission:

GeneDx
Classification: Uncertain significance. Last evaluated: 2025-05-17. Review status: criteria provided, single submitter. Criteria: GeneDx Variant Classification Process June 2021. Collection method: clinical testing. Allele origin: germline. Affected: yes.
Comment: Not observed at significant frequency in large population cohorts (gnomAD); In silico analysis supports that this missense variant has a deleterious effect on protein structure/function; Has not been previously published as pathogenic or benign to our knowledge